The following is an entry in ClinVar:

NM_080424.4(SP110):c.1639C>G (p.Leu547Val)

Gene: SP110 (SP110 nuclear body protein; minus strand). Cytogenetic location: 2q37.1.
Variant type: single nucleotide variant.
Coding change: c.1639C>G on transcript NM_080424.4 (MANE Select); coding-DNA position 1639, C replaced by G.
Protein change: p.Leu547Val; replaces leucine 547 with valine.
Molecular consequence: missense variant.
Genome position (GRCh38, 1-based): chr2:230,172,911, G>C on the plus strand (C>G on the coding strand, the complement: SP110 is on the minus strand). VCF-style: chr2-230172911-G-C. GRCh37 (hg19) VCF-style: chr2-231037627-G-C.
Other names: c.1657C>G, p.Leu553Val (NM_001378442.1, NM_001378444.1, NM_001378445.1 and 1 more transcripts); c.1639C>G, p.Leu547Val (NM_001378443.1, NM_004509.5); short protein forms L547V, L553V.
Identifiers: ClinVar variation 1430392 (VCV001430392.6), dbSNP rs376116343, ClinGen allele CA350901538.

ClinVar aggregate classification (germline): Uncertain significance (1 of 4 stars; one submission).

Conditions:
Hepatic veno-occlusive disease-immunodeficiency syndrome. Also called: Hepatic Veno-Occlusive Disease with Immunodeficiency. Identifiers: Orphanet 79124, MedGen C1856128, MONDO:0009338, OMIM 235550. Disease mechanism: loss of function.

Allele frequency attached by ClinVar (database versions not stated): gnomAD 0.00001.
gnomAD v4.1: 2 of 1,614,100 alleles (0.00012%); highest among the groups gnomAD compares: Admixed American, 0.0017%; no homozygotes.

Submission:

Labcorp Genetics (formerly Invitae), Labcorp
Classification: Uncertain significance for Hepatic veno-occlusive disease-immunodeficiency syndrome. Last evaluated: 2022-07-19. Review status: criteria provided, single submitter. Criteria: Invitae Variant Classification Sherloc (09022015). Collection method: clinical testing. Allele origin: germline.
Comment: This sequence change replaces leucine, which is neutral and non-polar, with valine, which is neutral and non-polar, at codon 547 of the SP110 protein (p.Leu547Val). The frequency data for this variant in the population databases is considered unreliable, as metrics indicate poor data quality at this position in the gnomAD database. This variant has not been reported in the literature in individuals affected with SP110-related conditions. ClinVar contains an entry for this variant (Variation ID: 1430392). Algorithms developed to predict the effect of missense changes on protein structure and function are either unavailable or do not agree on the potential impact of this missense change (SIFT: "Tolerated"; PolyPhen-2: "Possibly Damaging"; Align-GVGD: "Class C0"). In summary, the available evidence is currently insufficient to determine the role of this variant in disease. Therefore, it has been classified as a Variant of Uncertain Significance.